The following is an entry in ClinVar:

NM_001352027.3(PHF21A):c.1315_1317dup (p.Leu439_Gly440insLeu)

Gene: PHF21A (PHD finger protein 21A; minus strand). Cytogenetic location: 11p11.2.
Variant type: Duplication.
Coding change: c.1315_1317dup on transcript NM_001352027.3 (MANE Select); coding-DNA positions 1315 to 1317, 3 bases duplicated (CTG; older notation c.1315_1317dupCTG).
Protein change: p.Leu439_Gly440insLeu.
Molecular consequence: non-coding transcript variant (on NR_165446.1). On other transcripts: intron variant (6).
Genome position (GRCh38, 1-based): chr11:45,945,975-45,945,977, CAG duplicated on the plus strand (CTG on the coding strand, the reverse complement: PHF21A is on the minus strand); duplicating any 3 consecutive bases within chr11:45,945,975-45,945,979 gives the same sequence; the c. name uses the placement nearest the transcript's 3' end. VCF-style (leftmost placement, unchanged base first): chr11-45945974-C-CCAG. GRCh37 (hg19) VCF-style: chr11-45967525-C-CCAG.
Other names: c.1312_1314dup, p.Leu438_Gly439insLeu (NM_001101802.3); c.1315_1317dup, p.Leu439_Gly440insLeu (NM_001352025.3, NM_001352026.3); c.1308+99_1308+101dup (NM_001352030.3, NM_001352031.3, NM_001352032.3); c.1311+99_1311+101dup (NM_016621.5, NM_001352028.1, NM_001352029.1).
Identifiers: ClinVar variation 3716850 (VCV003716850.2).

ClinVar aggregate classification (germline): Uncertain significance (1 of 4 stars; one submission).

Submission:

Labcorp Genetics (formerly Invitae), Labcorp
Classification: Uncertain significance. Last evaluated: 2024-06-29. Review status: criteria provided, single submitter. Criteria: Invitae Variant Classification Sherloc (09022015). Collection method: clinical testing. Allele origin: germline.
Comment: This variant, c.1312_1314dup, results in the insertion of 1 amino acid(s) of the PHF21A protein (p.Leu438dup), but otherwise preserves the integrity of the reading frame. This variant is not present in population databases (gnomAD no frequency). This variant has not been reported in the literature in individuals affected with PHF21A-related conditions. Experimental studies and prediction algorithms are not available or were not evaluated, and the functional significance of this variant is currently unknown. In summary, the available evidence is currently insufficient to determine the role of this variant in disease. Therefore, it has been classified as a Variant of Uncertain Significance.